The following is an entry in ClinVar:

NM_013275.6(ANKRD11):c.5216G>A (p.Cys1739Tyr)

Gene: ANKRD11 (ankyrin repeat domain 11; minus strand). Cytogenetic location: 16q24.3.
Variant type: single nucleotide variant.
Coding change: c.5216G>A on transcript NM_013275.6 (MANE Select); coding-DNA position 5216, G replaced by A.
Protein change: p.Cys1739Tyr; replaces cysteine 1739 with tyrosine.
Molecular consequence: missense variant.
Genome position (GRCh38, 1-based): chr16:89,281,326, C>T on the plus strand (G>A on the coding strand, the complement: ANKRD11 is on the minus strand). VCF-style: chr16-89281326-C-T. GRCh37 (hg19) VCF-style: chr16-89347734-C-T.
Other names: c.5216G>A (NM_013275.4); c.5216G>A, p.Cys1739Tyr (NM_001256182.2, NM_001256183.2); short protein forms C1739Y.
Identifiers: ClinVar variation 1215318 (VCV001215318.11), dbSNP rs757264535, ClinGen allele CA8241909.

ClinVar aggregate classification (germline): Conflicting classifications of pathogenicity. Review status: criteria provided, conflicting classifications (1 of 4 stars). 4 submissions from 4 submitters: Uncertain significance (2); Likely benign (1). 1 of the submissions does not count toward it. Last evaluated 2026-01-05.

Conditions:
Inborn genetic diseases. Identifiers: MedGen C0950123, MeSH D030342.
ANKRD11-related disorder. Also called: ANKRD11-related condition.
KBG syndrome (KBGS). Also called: ANKRD11-Related KBG Syndrome. Identifiers: Orphanet 2332, MedGen C0220687, MONDO:0007846, OMIM 148050.

Allele frequency attached by ClinVar (database versions not stated): ExAC 0.00001; gnomAD exomes 0.00002 and 0.00007; gnomAD 0.00003; TOPMed 0.00006.
gnomAD v4.1: 113 of 1,613,608 alleles (0.007%); highest among the groups gnomAD compares: Middle Eastern, 0.016%; no homozygotes.

Submissions (4):

Labcorp Genetics (formerly Invitae), Labcorp
Classification: Uncertain significance for KBG syndrome. Last evaluated: 2026-01-05. Review status: criteria provided, single submitter. Criteria: Invitae Variant Classification Sherloc (09022015). Collection method: clinical testing. Allele origin: germline.
Comment: This sequence change replaces cysteine, which is neutral and slightly polar, with tyrosine, which is neutral and polar, at codon 1739 of the ANKRD11 protein (p.Cys1739Tyr). This variant is present in population databases (rs757264535, gnomAD 0.01%). This variant has not been reported in the literature in individuals affected with ANKRD11-related conditions. ClinVar contains an entry for this variant (Variation ID: 1215318). Invitae Evidence Modeling of protein sequence and biophysical properties (such as structural, functional, and spatial information, amino acid conservation, physicochemical variation, residue mobility, and thermodynamic stability) indicates that this missense variant is not expected to disrupt ANKRD11 protein function with a negative predictive value of 95%. In summary, the available evidence is currently insufficient to determine the role of this variant in disease. Therefore, it has been classified as a Variant of Uncertain Significance.

Ambry Genetics
Classification: Uncertain significance for Inborn genetic diseases. Last evaluated: 2021-08-09. Review status: criteria provided, single submitter. Criteria: Ambry Variant Classification Scheme 2023. Collection method: clinical testing. Allele origin: germline.

GeneDx
Classification: Likely benign. Last evaluated: 2020-06-09. Review status: criteria provided, single submitter. Criteria: GeneDx Variant Classification Process June 2021. Collection method: clinical testing. Allele origin: germline. Affected: yes.

PreventionGenetics, part of Exact Sciences
Classification: Likely benign for ANKRD11-related condition. Last evaluated: 2021-03-02. Review status: no assertion criteria provided. Collection method: clinical testing. Allele origin: germline. Not counted in ClinVar's aggregate classification.
Comment: This variant is classified as likely benign based on ACMG/AMP sequence variant interpretation guidelines (Richards et al. 2015 PMID: 25741868, with internal and published modifications).